The following is an entry in ClinVar:

ClinVar aggregate classification (germline): Pathogenic. Review status: criteria provided, multiple submitters, no conflicts (2 of 4 stars). 7 submissions from 7 submitters: Pathogenic (6). 1 of the submissions does not count toward it. Last evaluated 2025-12-03.

Conditions:
Birt-Hogg-Dube syndrome 1 (BHD1). Also called: FIBROFOLLICULOMAS WITH TRICHODISCOMAS AND ACROCHORDONS. Identifiers: Orphanet 122, MedGen CN375946, MONDO:0800445, OMIM 135150.
Hereditary cancer-predisposing syndrome. Also called: Tumor predisposition; Neoplastic Syndromes, Hereditary; Hereditary neoplastic syndrome; Hereditary Cancer Syndrome. Identifiers: Orphanet 140162, MedGen C0027672, MeSH D009386, MONDO:0015356.
Birt-Hogg-Dube syndrome. Also called: Birt Hogg Dubé syndrome. Identifiers: Orphanet 122, MedGen C0346010, MONDO:0800444.
Familial spontaneous pneumothorax (PSP). Identifiers: Orphanet 2903, MedGen C1868193, MONDO:0008259, OMIM 173600.

Allele frequency attached by ClinVar (database versions not stated): gnomAD exomes below 0.00001; ESP Exome Variant Server 0.00008.

Submissions (7):

Labcorp Genetics (formerly Invitae), Labcorp
Classification: Pathogenic for Birt-Hogg-Dube syndrome. Last evaluated: 2025-12-03. Review status: criteria provided, single submitter. Criteria: Invitae Variant Classification Sherloc (09022015). Collection method: clinical testing. Allele origin: germline.
Comment: This sequence change creates a premature translational stop signal (p.Trp260*) in the FLCN gene. It is expected to result in an absent or disrupted protein product. Loss-of-function variants in FLCN are known to be pathogenic (PMID: 15852235). This variant is present in population databases (rs368778627, gnomAD 0.0009%). This premature translational stop signal has been observed in individuals with Birt-Hogg-Dubé syndrome (PMID: 18579543, 22068306). It has also been observed to segregate with disease in related individuals. ClinVar contains an entry for this variant (Variation ID: 161246). Algorithms developed to predict the effect of sequence changes on RNA splicing suggest that this variant may disrupt the consensus splice site. For these reasons, this variant has been classified as Pathogenic.

Institute of Immunology and Genetics Kaiserslautern
Classification: Pathogenic for Birt-Hogg-Dube syndrome 1. Last evaluated: 2024-10-17. Review status: criteria provided, single submitter. Criteria: ACMG Guidelines, 2015. Collection method: clinical testing. Allele origin: germline. Affected: yes.
Comment: ACMG Criteria: PP5, PM2_P, PS1_M, PVS1; Variant was found in heterozygous state

Baylor Genetics
Classification: Pathogenic for Birt-Hogg-Dube syndrome 1. Last evaluated: 2024-03-15. Review status: criteria provided, single submitter. Criteria: ACMG Guidelines, 2015. Collection method: clinical testing. Allele origin: unknown.

Ambry Genetics
Classification: Pathogenic for Hereditary cancer-predisposing syndrome. Last evaluated: 2023-08-10. Review status: criteria provided, single submitter. Criteria: Ambry Variant Classification Scheme 2023. Collection method: clinical testing. Allele origin: germline.
Comment: The p.W260* pathogenic mutation (also known as c.779G>A), located in coding exon 4 of the FLCN gene, results from a G to A substitution at nucleotide position 779. This changes the amino acid from a tryptophan to a stop codon within coding exon 4. This variant has been shown to co-segregate with disease in two families in the literature (Fr&ouml;hlich BA et al. Eur. Respir. J., 2008 Nov;32:1316-20; Sattler EC et al. Acta Derm. Venereol., 2012 Mar;92:187-8). In addition to the clinical data presented in the literature, this alteration is expected to result in loss of function by premature protein truncation or nonsense-mediated mRNA decay. As such, this alteration is interpreted as a disease-causing mutation.

Myriad Genetics, Inc.
Classification: Pathogenic for Birt-Hogg-Dube syndrome 1. Last evaluated: 2023-01-18. Review status: criteria provided, single submitter. Criteria: Myriad Autosomal Dominant, Autosomal Recessive and X-Linked Classification Criteria (2023). Collection method: clinical testing. Allele origin: unknown.
Comment: This variant is considered pathogenic. This variant creates a termination codon and is predicted to result in premature protein truncation.

Neuberg Centre For Genomic Medicine, NCGM
Classification: Pathogenic for Birt-Hogg-Dube syndrome 1. Review status: criteria provided, single submitter. Criteria: ACMG Guidelines, 2015. Collection method: clinical testing. Allele origin: germline. Affected: yes.
Comment: The stop gained p.W260* in FLCN (NM_144997.7) has been reported previously in families with Birt-Hogg-Dube syndrome (Frohlich BA et al; Sattler EC et al). The variant has been submitted to ClinVar as Pathogenic. This variant is predicted to cause loss of normal protein function through protein truncation. For these reasons, this variant has been classified as Pathogenic

CSER _CC_NCGL, University of Washington
Classification: Pathogenic for Pneumothorax, primary spontaneous. Last evaluated: 2014-06-01. Review status: no assertion criteria provided. Collection method: research. Allele origin: germline. Inheritance: Autosomal dominant inheritance. Study: ESP 6500 variant annotation. Not counted in ClinVar's aggregate classification.
Comment: Variants classified for the Actionable exomic incidental findings in 6503 participants: challenges of variant classification manuscript

Literature cited by the submitters: PubMed 15852235 (cited by Labcorp Genetics (formerly Invitae), Labcorp); PubMed 18579543 (cited by Labcorp Genetics (formerly Invitae), Labcorp and Ambry Genetics); PubMed 22068306 (cited by Labcorp Genetics (formerly Invitae), Labcorp and Ambry Genetics); PubMed 25525159 (cited by Ambry Genetics); PubMed 25637381 (cited by Ambry Genetics).

NM_144997.7(FLCN):c.779G>A (p.Trp260Ter)

Gene: FLCN (folliculin; minus strand). Cytogenetic location: 17p11.2.
Variant type: single nucleotide variant.
Coding change: c.779G>A on transcript NM_144997.7 (MANE Select); coding-DNA position 779, G replaced by A.
Protein change: p.Trp260Ter; replaces tryptophan 260 with a stop codon.
Molecular consequence: nonsense.
Genome position (GRCh38, 1-based): chr17:17,222,501, C>T on the plus strand (G>A on the coding strand, the complement: FLCN is on the minus strand). VCF-style: chr17-17222501-C-T. GRCh37 (hg19) VCF-style: chr17-17125815-C-T.
Other names: c.779G>A (LRG_325t1); c.833G>A, p.Trp278Ter (NM_001353229.2); c.779G>A, p.Trp260Ter (NM_001353230.2, NM_001353231.2, NM_144606.7); short protein forms W260*, W278*.
Identifiers: ClinVar variation 161246 (VCV000161246.16), dbSNP rs368778627, ClinGen allele CA211427.